The following is an entry in ClinVar:

ClinVar aggregate classification (germline): Uncertain significance. Review status: criteria provided, multiple submitters, no conflicts (2 of 4 stars). 2 submissions from 2 submitters: Uncertain significance (2). Last evaluated 2024-03-12.

Conditions:
Congenital muscular hypertrophy-cerebral syndrome (CDLS2). Also called: Cornelia de Lange syndrome 2; SMC1A-Related Cornelia de Lange Syndrome. Identifiers: Orphanet 199, MedGen C1802395, MONDO:0010370, OMIM 300590.

Submissions (2):

GeneDx
Classification: Uncertain significance. Last evaluated: 2024-03-12. Review status: criteria provided, single submitter. Criteria: GeneDx Variant Classification Process June 2021. Collection method: clinical testing. Allele origin: germline. Affected: yes.
Comment: Not observed at significant frequency in large population cohorts (gnomAD); Missense variants in this gene are a common cause of disease and they are underrepresented in the general population; In silico analysis supports that this missense variant has a deleterious effect on protein structure/function; Has not been previously published as pathogenic or benign to our knowledge

Labcorp Genetics (formerly Invitae), Labcorp
Classification: Uncertain significance for Congenital muscular hypertrophy-cerebral syndrome. Last evaluated: 2024-01-25. Review status: criteria provided, single submitter. Criteria: Invitae Variant Classification Sherloc (09022015). Collection method: clinical testing. Allele origin: germline.
Comment: This sequence change replaces arginine, which is basic and polar, with proline, which is neutral and non-polar, at codon 255 of the SMC1A protein (p.Arg255Pro). This variant is not present in population databases (gnomAD no frequency). This variant has not been reported in the literature in individuals affected with SMC1A-related conditions. Advanced modeling of protein sequence and biophysical properties (such as structural, functional, and spatial information, amino acid conservation, physicochemical variation, residue mobility, and thermodynamic stability) performed at Invitae indicates that this missense variant is expected to disrupt SMC1A protein function with a positive predictive value of 80%. In summary, the available evidence is currently insufficient to determine the role of this variant in disease. Therefore, it has been classified as a Variant of Uncertain Significance.

NM_006306.4(SMC1A):c.764G>C (p.Arg255Pro)

Gene: SMC1A (structural maintenance of chromosomes 1A; minus strand). Cytogenetic location: Xp11.22.
Variant type: single nucleotide variant.
Coding change: c.764G>C on transcript NM_006306.4 (MANE Select); coding-DNA position 764, G replaced by C.
Protein change: p.Arg255Pro; replaces arginine 255 with proline.
Molecular consequence: missense variant.
Genome position (GRCh38, 1-based): chrX:53,412,990, C>G on the plus strand (G>C on the coding strand, the complement: SMC1A is on the minus strand). VCF-style: chrX-53412990-C-G. GRCh37 (hg19) VCF-style: chrX-53439940-C-G.
Other names: c.698G>C, p.Arg233Pro (NM_001281463.1); c.764G>C (NM_006306.2); short protein forms R255P, R233P.
Identifiers: ClinVar variation 2711244 (VCV002711244.4), dbSNP rs782606119, ClinGen allele CA413258539.